The following is an entry in ClinVar:

ClinVar aggregate classification (germline): Uncertain significance (1 of 4 stars; one submission).

Allele frequency attached by ClinVar (database versions not stated): gnomAD exomes below 0.00001.
gnomAD v4.1: 2 of 1,613,042 alleles (0.00012%); highest among the groups gnomAD compares: Middle Eastern, 0.017%; no homozygotes.

Submission:

Labcorp Genetics (formerly Invitae), Labcorp
Classification: Uncertain significance. Last evaluated: 2022-04-16. Review status: criteria provided, single submitter. Criteria: Invitae Variant Classification Sherloc (09022015). Collection method: clinical testing. Allele origin: germline.
Comment: This sequence change replaces threonine, which is neutral and polar, with serine, which is neutral and polar, at codon 972 of the HPS5 protein (p.Thr972Ser). This variant is present in population databases (no rsID available, gnomAD 0.0009%). This variant has not been reported in the literature in individuals affected with HPS5-related conditions. Algorithms developed to predict the effect of missense changes on protein structure and function (SIFT, PolyPhen-2, Align-GVGD) all suggest that this variant is likely to be tolerated. In summary, the available evidence is currently insufficient to determine the role of this variant in disease. Therefore, it has been classified as a Variant of Uncertain Significance.

NM_181507.2(HPS5):c.2915C>G (p.Thr972Ser)

Gene: HPS5 (HPS5 biogenesis of lysosomal organelles complex 2 subunit 2; minus strand). Cytogenetic location: 11p15.1.
Variant type: single nucleotide variant.
Coding change: c.2915C>G on transcript NM_181507.2 (MANE Select); coding-DNA position 2915, C replaced by G.
Protein change: p.Thr972Ser; replaces threonine 972 with serine.
Molecular consequence: missense variant.
Genome position (GRCh38, 1-based): chr11:18,285,382, G>C on the plus strand (C>G on the coding strand, the complement: HPS5 is on the minus strand). VCF-style: chr11-18285382-G-C. GRCh37 (hg19) VCF-style: chr11-18306929-G-C.
Other names: c.2573C>G, p.Thr858Ser (NM_007216.4, NM_181508.2); short protein forms T972S, T858S.
Identifiers: ClinVar variation 1915707 (VCV001915707.2), dbSNP rs984969686, ClinGen allele CA379514880.